The following is an entry in ClinVar:

ClinVar aggregate classification (germline): Benign/Likely benign. Review status: criteria provided, multiple submitters, no conflicts (2 of 4 stars). 2 submissions from 2 submitters: Benign (1); Likely benign (1). Last evaluated 2023-12-09.

Conditions:
Developmental and epileptic encephalopathy, 33 (DEE33). Also called: Epileptic encephalopathy, early infantile, 33. Identifiers: Orphanet 442835, MedGen C4225337, MONDO:0014625, OMIM 616409.

Submissions (2):

Labcorp Genetics (formerly Invitae), Labcorp
Classification: Benign for Developmental and epileptic encephalopathy, 33. Last evaluated: 2023-12-09. Review status: criteria provided, single submitter. Criteria: Invitae Variant Classification Sherloc (09022015). Collection method: clinical testing. Allele origin: germline.

GeneDx
Classification: Likely benign. Last evaluated: 2018-02-20. Review status: criteria provided, single submitter. Criteria: GeneDx Variant Classification (06012015). Collection method: clinical testing. Allele origin: germline. Affected: yes.
Comment: This variant is considered likely benign or benign based on one or more of the following criteria: it is a conservative change, it occurs at a poorly conserved position in the protein, it is predicted to be benign by multiple in silico algorithms, and/or has population frequency not consistent with disease.

NM_001958.5(EEF1A2):c.1265-10del

Gene: EEF1A2 (eukaryotic translation elongation factor 1 alpha 2; minus strand). Cytogenetic location: 20q13.33.
Variant type: Deletion.
Coding change: c.1265-10del on transcript NM_001958.5 (MANE Select); 10 bases into the intron before coding-DNA position 1265, one base deleted (C; older notation c.1265-10delC).
Molecular consequence: intron variant.
Genome position (GRCh38, 1-based): chr20:63,488,435, G deleted on the plus strand (C on the coding strand, the reverse complement: EEF1A2 is on the minus strand); the first of 6 consecutive G bases (chr20:63,488,435-63,488,440); deleting any one gives the same sequence. VCF-style (leftmost placement, unchanged base first): chr20-63488434-CG-C. GRCh37 (hg19) VCF-style: chr20-62119787-CG-C.
Other names: c.1265-10delC (NM_001958.3).
Identifiers: ClinVar variation 515417 (VCV000515417.9), dbSNP rs1170731512, ClinGen allele CA409643956.